The following is an entry in ClinVar:

ClinVar aggregate classification (germline): Uncertain significance (1 of 4 stars; one submission).

Conditions:
MC4R-related disorder. Also called: MC4R-related condition.

Submission:

PreventionGenetics, part of Exact Sciences
Classification: Uncertain significance for MC4R-related condition. Last evaluated: 2025-06-07. Review status: criteria provided, single submitter. Criteria: ACMG Guidelines, 2015. Collection method: clinical testing. Allele origin: germline.
Comment: The MC4R c.895C>A variant is predicted to result in the amino acid substitution p.Pro299Thr. To our knowledge, this variant has not been reported in the literature or in a large population database (gnomAD), indicating this variant is rare. A different variant affecting the same amino acid position, c.896C>A, p.(Pro299His), has been reported in individuals with obesity (for example, Stutzmann et al. 2008. PubMed ID: 18559663; Lubrano-Berthelier et al. 2003. PubMed ID: 12499395) and functional studies of this p.(Pro299His) variant revealed that it impacts protein function (Lubrano-Berthelier et al. 2003. PubMed ID: 12499395; Roubert et al. 2010. PubMed ID: 20696697). Although we suspect that this variant may be pathogenic, at this time, the clinical significance of this variant is uncertain due to the absence of conclusive functional and genetic evidence.

NM_005912.3(MC4R):c.895C>A (p.Pro299Thr)

Gene: MC4R (melanocortin 4 receptor; minus strand). Cytogenetic location: 18q21.32.
Variant type: single nucleotide variant.
Coding change: c.895C>A on transcript NM_005912.3 (MANE Select); coding-DNA position 895, C replaced by A.
Protein change: p.Pro299Thr; replaces proline 299 with threonine.
Molecular consequence: missense variant.
Genome position (GRCh38, 1-based): chr18:60,371,455, G>T on the plus strand (C>A on the coding strand, the complement: MC4R is on the minus strand). VCF-style: chr18-60371455-G-T. GRCh37 (hg19) VCF-style: chr18-58038688-G-T.
Other names: short protein forms P299T.
Identifiers: ClinVar variation 4990807 (VCV004990807.1).